The following is an entry in ClinVar:

ClinVar aggregate classification (germline): Uncertain significance. Review status: criteria provided, multiple submitters, no conflicts (2 of 4 stars). 3 submissions from 3 submitters: Uncertain significance (2). 1 of the submissions does not count toward it. Last evaluated 2026-01-14.

Conditions:
Inborn genetic diseases. Identifiers: MedGen C0950123, MeSH D030342.
Mosaic variegated aneuploidy syndrome 1 (MVA1). Also called: Warburton-Anyane-Yeboa syndrome. Identifiers: Orphanet 1052, MedGen C1850343, MONDO:0009759, OMIM 257300.

Allele frequency attached by ClinVar (database versions not stated): TOPMed 0.00002.
gnomAD v4.1: 54 of 1,610,604 alleles (0.0034%); highest among the groups gnomAD compares: Non-Finnish European, 0.0046%; no homozygotes.

Submissions (3):

Labcorp Genetics (formerly Invitae), Labcorp
Classification: Uncertain significance for Mosaic variegated aneuploidy syndrome 1. Last evaluated: 2026-01-14. Review status: criteria provided, single submitter. Criteria: Invitae Variant Classification Sherloc (09022015). Collection method: clinical testing. Allele origin: germline.
Comment: This sequence change replaces aspartic acid, which is acidic and polar, with alanine, which is neutral and non-polar, at codon 466 of the BUB1B protein (p.Asp466Ala). This variant is present in population databases (rs587778140, gnomAD 0.002%). This variant has not been reported in the literature in individuals affected with BUB1B-related conditions. ClinVar contains an entry for this variant (Variation ID: 133765). An algorithm developed to predict the effect of missense changes on protein structure and function (PolyPhen-2) suggests that this variant is likely to be tolerated. In summary, the available evidence is currently insufficient to determine the role of this variant in disease. Therefore, it has been classified as a Variant of Uncertain Significance.

Ambry Genetics
Classification: Uncertain significance for Inborn genetic diseases. Last evaluated: 2025-10-15. Review status: criteria provided, single submitter. Criteria: Ambry Variant Classification Scheme 2023. Collection method: clinical testing. Allele origin: germline.

ITMI
No classification provided. Condition: AllHighlyPenetrant. Last evaluated: 2013-09-19. Review status: no classification provided. Collection method: reference population. Allele origin: germline. Not counted in ClinVar's aggregate classification.
Comment: Please see associated publication for description of ethnicities

Literature cited by the submitters: PubMed 24728327 (cited by ITMI).

NM_001211.6(BUB1B):c.1397A>C (p.Asp466Ala)

Gene: BUB1B (BUB1 mitotic checkpoint serine/threonine kinase B; plus strand). Cytogenetic location: 15q15.1.
Variant type: single nucleotide variant.
Coding change: c.1397A>C on transcript NM_001211.6 (MANE Select); coding-DNA position 1397, A replaced by C.
Protein change: p.Asp466Ala; replaces aspartic acid 466 with alanine.
Molecular consequence: missense variant.
Genome position (GRCh38, 1-based): chr15:40,199,723, A>C. VCF-style: chr15-40199723-A-C. GRCh37 (hg19) VCF-style: chr15-40491924-A-C.
Other names: short protein forms D466A.
Identifiers: ClinVar variation 133765 (VCV000133765.13), dbSNP rs587778140, ClinGen allele CA157744.